The following is an entry in ClinVar:

ClinVar aggregate classification (germline): Uncertain significance (1 of 4 stars; one submission).

Allele frequency attached by ClinVar (database versions not stated): gnomAD exomes below 0.00001.
gnomAD v4.1: 4 of 1,614,092 alleles (0.00025%); highest among the groups gnomAD compares: Non-Finnish European, 0.00034%; no homozygotes.

Submission:

Labcorp Genetics (formerly Invitae), Labcorp
Classification: Uncertain significance. Last evaluated: 2021-09-02. Review status: criteria provided, single submitter. Criteria: Invitae Variant Classification Sherloc (09022015). Collection method: clinical testing. Allele origin: germline.
Comment: This sequence change replaces threonine with alanine at codon 70 of the CD40 protein (p.Thr70Ala). The threonine residue is moderately conserved and there is a small physicochemical difference between threonine and alanine. This variant is not present in population databases (ExAC no frequency). This variant has not been reported in the literature in individuals affected with CD40-related conditions. Algorithms developed to predict the effect of missense changes on protein structure and function output the following: SIFT: "Tolerated"; PolyPhen-2: "Benign"; Align-GVGD: "Class C0". The alanine amino acid residue is found in multiple mammalian species, which suggests that this missense change does not adversely affect protein function. In summary, the available evidence is currently insufficient to determine the role of this variant in disease. Therefore, it has been classified as a Variant of Uncertain Significance.

NM_001250.6(CD40):c.208A>G (p.Thr70Ala)

Gene: CD40 (CD40 molecule; plus strand). Cytogenetic location: 20q13.12.
Variant type: single nucleotide variant.
Coding change: c.208A>G on transcript NM_001250.6 (MANE Select); coding-DNA position 208, A replaced by G.
Protein change: p.Thr70Ala; replaces threonine 70 with alanine.
Molecular consequence: missense variant. On other transcripts: non-coding transcript variant (2).
Genome position (GRCh38, 1-based): chr20:46,122,310, A>G. VCF-style: chr20-46122310-A-G. GRCh37 (hg19) VCF-style: chr20-44750949-A-G.
Other names: c.208A>G, p.Thr70Ala (NM_001302753.2, NM_001322421.2, NM_001322422.2 and 2 more transcripts); short protein forms T70A.
Identifiers: ClinVar variation 1442511 (VCV001442511.5), dbSNP rs2145592034, ClinGen allele CA409203747.